The following is an entry in ClinVar:

ClinVar aggregate classification (germline): Conflicting classifications of pathogenicity. Review status: criteria provided, conflicting classifications (1 of 4 stars). 2 submissions from 2 submitters: Uncertain significance (1); Likely benign (1). Last evaluated 2023-03-23.

Conditions:
Hereditary cancer-predisposing syndrome. Also called: Hereditary neoplastic syndrome; Neoplastic Syndromes, Hereditary; Hereditary Cancer Syndrome; Tumor predisposition. Identifiers: Orphanet 140162, MedGen C0027672, MeSH D009386, MONDO:0015356.
Hereditary breast ovarian cancer syndrome. Also called: Hereditary breast and ovarian cancer; Hereditary breast and/or ovarian cancer syndrome; Hereditary breast and ovarian cancer syndrome; Hereditary breast and ovarian cancer syndrome (HBOC); Breast and ovarian cancer; BRCA1- and BRCA2-Associated Hereditary Breast and Ovarian Cancer. Identifiers: Orphanet 145, MedGen C0677776, MeSH D061325, MONDO:0003582. Disease mechanism: loss of function.

Submissions (2):

University of Washington Department of Laboratory Medicine, University of Washington
Classification: Likely benign for Hereditary cancer-predisposing syndrome. Last evaluated: 2023-03-23. Review status: criteria provided, single submitter. Criteria: Dines et al. (Genet Med. 2020). Collection method: curation. Allele origin: germline.
Comment: Missense variant in a coldspot region where missense variants are very unlikely to be pathogenic (PMID:31911673).

BRCA1 coldspot (exon 11 using historical exon numbering). Reclassification based on statistical prior probability

Labcorp Genetics (formerly Invitae), Labcorp
Classification: Uncertain significance for Hereditary breast ovarian cancer syndrome. Last evaluated: 2019-11-13. Review status: criteria provided, single submitter. Criteria: Invitae Variant Classification Sherloc (09022015). Collection method: clinical testing. Allele origin: germline.
Comment: This variant has not been reported in the literature in individuals with BRCA1-related conditions. In summary, the available evidence is currently insufficient to determine the role of this variant in disease. Therefore, it has been classified as a Variant of Uncertain Significance. Algorithms developed to predict the effect of missense changes on protein structure and function are either unavailable or do not agree on the potential impact of this missense change (SIFT: "Tolerated"; PolyPhen-2: "Possibly Damaging"; Align-GVGD: "Class C0"). This variant is not present in population databases (ExAC no frequency). This sequence change replaces arginine with threonine at codon 756 of the BRCA1 protein (p.Arg756Thr). The arginine residue is weakly conserved and there is a moderate physicochemical difference between arginine and threonine.

NM_007294.4(BRCA1):c.2267G>C (p.Arg756Thr)

Gene: BRCA1 (BRCA1 DNA repair associated; minus strand). Cytogenetic location: 17q21.31.
Variant type: single nucleotide variant.
Coding change: c.2267G>C on transcript NM_007294.4 (MANE Select); coding-DNA position 2267, G replaced by C.
Protein change: p.Arg756Thr; replaces arginine 756 with threonine.
Molecular consequence: missense variant. On other transcripts: intron variant (137).
Genome position (GRCh38, 1-based): chr17:43,093,264, C>G on the plus strand (G>C on the coding strand, the complement: BRCA1 is on the minus strand). VCF-style: chr17-43093264-C-G. GRCh37 (hg19) VCF-style: chr17-41245281-C-G.
Other names: c.778+1480G>C (NM_001408408.1); c.661+1480G>C (NM_001408446.1, NM_001408435.1, NM_001408448.1 and 6 more transcripts); c.784+1480G>C (NM_001408401.1, NM_001408396.1, NM_001407985.1 and 13 more transcripts); c.548-2232G>C (NM_001408494.1); c.664+1480G>C (NM_001408444.1, NM_001408438.1, NM_001408430.1 and 12 more transcripts); c.671-2232G>C (NM_001408423.1, NM_001408420.1, NM_001408419.1 and 2 more transcripts); c.787+1480G>C (NM_001408404.1, NM_001408472.1, NM_001407990.1 and 17 more transcripts); c.788-1125G>C (NM_001407969.1, NM_001407968.1); and 41 more; short protein forms R709T, R756T, R588T, R645T, R667T, R686T, R689T, R708T.
Identifiers: ClinVar variation 966335 (VCV000966335.12), dbSNP rs975724885, ClinGen allele CA10597464.